The following is an entry in ClinVar:

NM_001005361.3(DNM2):c.522C>T (p.Val174=)

Gene: DNM2 (dynamin 2; plus strand). Cytogenetic location: 19p13.2.
Variant type: single nucleotide variant.
Coding change: c.522C>T on transcript NM_001005361.3 (MANE Select); coding-DNA position 522, C replaced by T.
Protein change: p.Val174=; no amino-acid change (valine 174 retained).
Molecular consequence: synonymous variant.
Genome position (GRCh38, 1-based): chr19:10,775,839, C>T. VCF-style: chr19-10775839-C-T. GRCh37 (hg19) VCF-style: chr19-10886515-C-T.
Other names: c.522C>T, p.Val174= (NM_001005360.3, NM_001005362.3, NM_001190716.2 and 1 more transcripts).
Identifiers: ClinVar variation 5038642 (VCV005038642.1).

ClinVar aggregate classification (germline): Likely benign (1 of 4 stars; one submission).

Submission:

CeGaT Center for Human Genetics Tuebingen
Classification: Likely benign. Last evaluated: 2026-08-01. Review status: criteria provided, single submitter. Criteria: CeGaT Center For Human Genetics Tuebingen Variant Classification Criteria Version 2. Collection method: clinical testing. Allele origin: germline. Affected: yes. Observed: 1 variant allele.
Comment: DNM2: PM2:Supporting, BP4, BP7